The following is an entry in ClinVar:

NM_000091.5(COL4A3):c.2284G>A (p.Gly762Ser)

Genes: COL4A3 (collagen type IV alpha 3 chain; plus strand), MFF-DT (MFF divergent transcript; minus strand). Cytogenetic location: 2q36.3.
Variant type: single nucleotide variant.
Coding change: c.2284G>A on transcript NM_000091.5 (MANE Select); coding-DNA position 2284, G replaced by A.
Protein change: p.Gly762Ser; replaces glycine 762 with serine.
Molecular consequence: missense variant.
Genome position (GRCh38, 1-based): chr2:227,280,500, G>A. VCF-style: chr2-227280500-G-A. GRCh37 (hg19) VCF-style: chr2-228145216-G-A.
Other names: short protein forms G762S.
Identifiers: ClinVar variation 3627454 (VCV003627454.2).

ClinVar aggregate classification (germline): Uncertain significance (1 of 4 stars; one submission).

gnomAD v4.1: 4 of 1,614,016 alleles (0.00025%); highest among the groups gnomAD compares: African/African-American, 0.0027%; no homozygotes.

Submission:

Labcorp Genetics (formerly Invitae), Labcorp
Classification: Uncertain significance. Last evaluated: 2024-07-30. Review status: criteria provided, single submitter. Criteria: Invitae Variant Classification Sherloc (09022015). Collection method: clinical testing. Allele origin: germline.
Comment: This sequence change replaces glycine, which is neutral and non-polar, with serine, which is neutral and polar, at codon 762 of the COL4A3 protein (p.Gly762Ser). This variant is present in population databases (no rsID available, gnomAD 0.007%). This variant has not been reported in the literature in individuals affected with COL4A3-related conditions. Advanced modeling of protein sequence and biophysical properties (such as structural, functional, and spatial information, amino acid conservation, physicochemical variation, residue mobility, and thermodynamic stability) performed at Invitae indicates that this missense variant is expected to disrupt COL4A3 protein function with a positive predictive value of 80%. In summary, the available evidence is currently insufficient to determine the role of this variant in disease. Therefore, it has been classified as a Variant of Uncertain Significance.